The following is an entry in ClinVar:

NM_006545.5(NPRL2):c.994C>T (p.Arg332Trp)

Gene: NPRL2 (NPR2 like, GATOR1 complex subunit; minus strand). Cytogenetic location: 3p21.31.
Variant type: single nucleotide variant.
Coding change: c.994C>T on transcript NM_006545.5 (MANE Select); coding-DNA position 994, C replaced by T.
Protein change: p.Arg332Trp; replaces arginine 332 with tryptophan.
Molecular consequence: missense variant.
Genome position (GRCh38, 1-based): chr3:50,347,840, G>A on the plus strand (C>T on the coding strand, the complement: NPRL2 is on the minus strand). VCF-style: chr3-50347840-G-A. GRCh37 (hg19) VCF-style: chr3-50385271-G-A.
Other names: short protein forms R332W.
Identifiers: ClinVar variation 2576036 (VCV002576036.1), dbSNP rs754845921, ClinGen allele CA2417409.

ClinVar aggregate classification (germline): Uncertain significance (1 of 4 stars; one submission).

Allele frequency attached by ClinVar (database versions not stated): ExAC 0.00001; gnomAD 0.00001; gnomAD exomes 0.00001; TOPMed 0.00001.

Submission:

Institute for Clinical Genetics, University Hospital TU Dresden, University Hospital TU Dresden
Classification: Uncertain significance. Last evaluated: 2022-10-04. Review status: criteria provided, single submitter. Criteria: ACMG Guidelines, 2015. Collection method: clinical testing. Allele origin: germline.
Comment: PM2_SUP